The following is an entry in ClinVar:

NM_004385.5(VCAN):c.1160A>C (p.Glu387Ala)

Gene: VCAN (versican; plus strand). Cytogenetic location: 5q14.3.
Variant type: single nucleotide variant.
Coding change: c.1160A>C on transcript NM_004385.5 (MANE Select); coding-DNA position 1160, A replaced by C.
Protein change: p.Glu387Ala; replaces glutamic acid 387 with alanine.
Molecular consequence: missense variant. On other transcripts: intron variant (2).
Genome position (GRCh38, 1-based): chr5:83,519,466, A>C. VCF-style: chr5-83519466-A-C. GRCh37 (hg19) VCF-style: chr5-82815285-A-C.
Other names: c.1160A>C, p.Glu387Ala (NM_001164098.2); c.1042+7070A>C (NM_001164097.2, NM_001126336.3); short protein forms E387A.
Identifiers: ClinVar variation 1349885 (VCV001349885.8), dbSNP rs2112406260, ClinGen allele CA360299216.

ClinVar aggregate classification (germline): Uncertain significance (1 of 4 stars; one submission).

Allele frequency attached by ClinVar (database versions not stated): gnomAD exomes below 0.00001.
gnomAD v4.1: 2 of 1,614,170 alleles (0.00012%); highest among the groups gnomAD compares: South Asian, 0.0011%; no homozygotes.

Submission:

Labcorp Genetics (formerly Invitae), Labcorp
Classification: Uncertain significance. Last evaluated: 2025-04-28. Review status: criteria provided, single submitter. Criteria: Invitae Variant Classification Sherloc (09022015). Collection method: clinical testing. Allele origin: germline.
Comment: This sequence change replaces glutamic acid, which is acidic and polar, with alanine, which is neutral and non-polar, at codon 387 of the VCAN protein (p.Glu387Ala). This variant is not present in population databases (gnomAD no frequency). This variant has not been reported in the literature in individuals affected with VCAN-related conditions. ClinVar contains an entry for this variant (Variation ID: 1349885). An algorithm developed to predict the effect of missense changes on protein structure and function (PolyPhen-2) suggests that this variant is likely to be tolerated. In summary, the available evidence is currently insufficient to determine the role of this variant in disease. Therefore, it has been classified as a Variant of Uncertain Significance.